The following is an entry in ClinVar:

ClinVar aggregate classification (germline): Uncertain significance (1 of 4 stars; one submission).

Conditions:
Arthrogryposis, distal, type 1A. Also called: ARTHROGRYPOSIS MULTIPLEX CONGENITA, DISTAL, TYPE I. Identifiers: Orphanet 1146, MedGen C6022280, MONDO:0007157, OMIM 108120.

Submission:

Labcorp Genetics (formerly Invitae), Labcorp
Classification: Uncertain significance for Arthrogryposis, distal, type 1A. Last evaluated: 2024-04-10. Review status: criteria provided, single submitter. Criteria: Invitae Variant Classification Sherloc (09022015). Collection method: clinical testing. Allele origin: germline.
Comment: This sequence change replaces glutamic acid, which is acidic and polar, with glutamine, which is neutral and polar, at codon 131 of the TPM2 protein (p.Glu131Gln). This variant is not present in population databases (gnomAD no frequency). This variant has not been reported in the literature in individuals affected with TPM2-related conditions. Advanced modeling of protein sequence and biophysical properties (such as structural, functional, and spatial information, amino acid conservation, physicochemical variation, residue mobility, and thermodynamic stability) has been performed at Invitae for this missense variant, however the output from this modeling did not meet the statistical confidence thresholds required to predict the impact of this variant on TPM2 protein function. In summary, the available evidence is currently insufficient to determine the role of this variant in disease. Therefore, it has been classified as a Variant of Uncertain Significance.

NM_003289.4(TPM2):c.391G>C (p.Glu131Gln)

Gene: TPM2 (tropomyosin 2; minus strand). Cytogenetic location: 9p13.3.
Variant type: single nucleotide variant.
Coding change: c.391G>C on transcript NM_003289.4 (MANE Select); coding-DNA position 391, G replaced by C.
Protein change: p.Glu131Gln; replaces glutamic acid 131 with glutamine.
Molecular consequence: missense variant.
Genome position (GRCh38, 1-based): chr9:35,685,535, C>G on the plus strand (G>C on the coding strand, the complement: TPM2 is on the minus strand). VCF-style: chr9-35685535-C-G. GRCh37 (hg19) VCF-style: chr9-35685532-C-G.
Other names: c.391G>C, p.Glu131Gln (NM_001301226.2, NM_001301227.2, NM_213674.1); short protein forms E131Q.
Identifiers: ClinVar variation 3647744 (VCV003647744.2).